The following is an entry in ClinVar:

NM_006059.4(LAMC3):c.4307C>T (p.Thr1436Met)

Gene: LAMC3 (laminin subunit gamma 3; plus strand). Cytogenetic location: 9q34.12.
Variant type: single nucleotide variant.
Coding change: c.4307C>T on transcript NM_006059.4 (MANE Select); coding-DNA position 4307, C replaced by T.
Protein change: p.Thr1436Met; replaces threonine 1436 with methionine.
Molecular consequence: missense variant.
Genome position (GRCh38, 1-based): chr9:131,087,552, C>T. VCF-style: chr9-131087552-C-T. GRCh37 (hg19) VCF-style: chr9-133962939-C-T.
Other names: c.4307C>T (NM_006059.3); short protein forms T1436M.
Identifiers: ClinVar variation 1942904 (VCV001942904.3), dbSNP rs750722553, ClinGen allele CA5288122.

ClinVar aggregate classification (germline): Uncertain significance. Review status: criteria provided, multiple submitters, no conflicts (2 of 4 stars). 2 submissions from 2 submitters: Uncertain significance (2). Last evaluated 2025-08-07.

Conditions:
Inborn genetic diseases. Identifiers: MedGen C0950123, MeSH D030342.

Allele frequency attached by ClinVar (database versions not stated): TOPMed 0.00001.
gnomAD v4.1: 19 of 1,613,934 alleles (0.0012%); highest among the groups gnomAD compares: Admixed American, 0.017%; no homozygotes.

Submissions (2):

Ambry Genetics
Classification: Uncertain significance for Inborn genetic diseases. Last evaluated: 2025-08-07. Review status: criteria provided, single submitter. Criteria: Ambry Variant Classification Scheme 2023. Collection method: clinical testing. Allele origin: germline.

Labcorp Genetics (formerly Invitae), Labcorp
Classification: Uncertain significance. Last evaluated: 2022-04-02. Review status: criteria provided, single submitter. Criteria: Invitae Variant Classification Sherloc (09022015). Collection method: clinical testing. Allele origin: germline.
Comment: This sequence change replaces threonine, which is neutral and polar, with methionine, which is neutral and non-polar, at codon 1436 of the LAMC3 protein (p.Thr1436Met). This variant is present in population databases (rs750722553, gnomAD 0.03%). This variant has not been reported in the literature in individuals affected with LAMC3-related conditions. Algorithms developed to predict the effect of missense changes on protein structure and function output the following: SIFT: "Tolerated"; PolyPhen-2: "Benign"; Align-GVGD: "Class C0". The methionine amino acid residue is found in multiple mammalian species, which suggests that this missense change does not adversely affect protein function. In summary, the available evidence is currently insufficient to determine the role of this variant in disease. Therefore, it has been classified as a Variant of Uncertain Significance.